The following is an entry in ClinVar:

ClinVar aggregate classification (germline): Benign (0 of 4 stars; one submission).

Conditions:
SOX1-related disorder. Also called: SOX1-related condition.

Submission:

PreventionGenetics, part of Exact Sciences
Classification: Benign for SOX1-related condition. Last evaluated: 2019-10-31. Review status: no assertion criteria provided. Collection method: clinical testing. Allele origin: germline.
Comment: This variant is classified as benign based on ACMG/AMP sequence variant interpretation guidelines (Richards et al. 2015 PMID: 25741868, with internal and published modifications).

NM_005986.3(SOX1):c.718_723dup (p.His241_Asn242insProHis)

Genes: SOX1 (SRY-box transcription factor 1; plus strand), SOX1-OT (SOX1 overlapping transcript; plus strand). Cytogenetic location: 13q34.
Variant type: Duplication.
Coding change: c.718_723dup on transcript NM_005986.3 (MANE Select); coding-DNA positions 718 to 723, 6 bases duplicated (CCGCAC; older notation c.718_723dupCCGCAC).
Protein change: p.His241_Asn242insProHis.
Genome position (GRCh38, 1-based): chr13:112,068,376-112,068,381, CCGCAC duplicated; duplicating any 6 consecutive bases within chr13:112,068,371-112,068,381 gives the same sequence; the c. name uses the placement nearest the transcript's 3' end. VCF-style (leftmost placement, unchanged base first): chr13-112068370-G-GCGCACC. GRCh37 (hg19) VCF-style: chr13-112722684-G-GCGCACC.
Identifiers: ClinVar variation 3041267 (VCV003041267.2), dbSNP rs766974042, ClinGen allele CA7054752.